The following is an entry in ClinVar:

ClinVar aggregate classification (germline): Uncertain significance. Review status: criteria provided, multiple submitters, no conflicts (2 of 4 stars). 4 submissions from 4 submitters: Uncertain significance (4). Last evaluated 2025-06-30.

Conditions:
Arrhythmogenic cardiomyopathy with wooly hair and keratoderma. Also called: Arrhythmogenic cardiomyopathy with woolly hair and keratoderma; PALMOPLANTAR KERATODERMA WITH LEFT VENTRICULAR CARDIOMYOPATHY AND WOOLLY HAIR; Carvajal syndrome; Dilated cardiomyopathy with woolly hair and keratoderma. Identifiers: Orphanet 65282, MedGen C1854063, MONDO:0011581, OMIM 605676.
Cardiovascular phenotype. Identifiers: MedGen CN230736.
Arrhythmogenic right ventricular dysplasia 8 (ARVD8). Also called: Arrhythmogenic Right Ventricular Dysplasia/Cardiomyopathy 8; ARRHYTHMOGENIC RIGHT VENTRICULAR DYSPLASIA, FAMILIAL, 8; ARRHYTHMOGENIC RIGHT VENTRICULAR CARDIOMYOPATHY 8. Identifiers: MedGen C1843896, MONDO:0011831, OMIM 607450.
Cardiomyopathy (CMYO). Also called: Cardiomyopathies. Identifiers: Orphanet 167848, MedGen C0878544, MONDO:0004994, HP:0001638. Inheritance: Various modes of inheritance.

Allele frequency attached by ClinVar (database versions not stated): gnomAD exomes below 0.00001.

Submissions (4):

Color Diagnostics, LLC DBA Color Health
Classification: Uncertain significance for Cardiomyopathy. Last evaluated: 2025-06-30. Review status: criteria provided, single submitter. Criteria: ACMG Guidelines, 2015. Collection method: clinical testing. Allele origin: germline.
Comment: This missense variant replaces glutamic acid with glycine at codon 1265 of the DSP protein. Computational prediction suggests that this variant may not impact protein structure and function. To our knowledge, functional studies have not been reported for this variant. This variant has not been reported in individuals affected with DSP-related disorders in the literature. This variant has not been identified in the general population by the Genome Aggregation Database (gnomAD). The available evidence is insufficient to determine the role of this variant in disease conclusively. Therefore, this variant is classified as a Variant of Uncertain Significance.

Ambry Genetics
Classification: Uncertain significance for Cardiovascular phenotype. Last evaluated: 2024-10-08. Review status: criteria provided, single submitter. Criteria: Ambry Variant Classification Scheme 2023. Collection method: clinical testing. Allele origin: germline.
Comment: The p.E1265G variant (also known as c.3794A>G), located in coding exon 23 of the DSP gene, results from an A to G substitution at nucleotide position 3794. The glutamic acid at codon 1265 is replaced by glycine, an amino acid with similar properties. This amino acid position is conserved. In addition, the in silico prediction for this alteration is inconclusive. Based on the available evidence, the clinical significance of this variant remains unclear.

Labcorp Genetics (formerly Invitae), Labcorp
Classification: Uncertain significance for Arrhythmogenic cardiomyopathy with wooly hair and keratoderma; Arrhythmogenic right ventricular dysplasia 8. Last evaluated: 2023-12-26. Review status: criteria provided, single submitter. Criteria: Invitae Variant Classification Sherloc (09022015). Collection method: clinical testing. Allele origin: germline.
Comment: This sequence change replaces glutamic acid, which is acidic and polar, with glycine, which is neutral and non-polar, at codon 1265 of the DSP protein (p.Glu1265Gly). This variant is not present in population databases (gnomAD no frequency). This variant has not been reported in the literature in individuals affected with DSP-related conditions. An algorithm developed to predict the effect of missense changes on protein structure and function (PolyPhen-2) suggests that this variant is likely to be disruptive. In summary, the available evidence is currently insufficient to determine the role of this variant in disease. Therefore, it has been classified as a Variant of Uncertain Significance.

All of Us Research Program, National Institutes of Health
Classification: Uncertain significance for Arrhythmogenic cardiomyopathy with wooly hair and keratoderma. Last evaluated: 2023-04-28. Review status: criteria provided, single submitter. Criteria: ACMG Guidelines, 2015. Collection method: clinical testing. Allele origin: germline. Inheritance: Autosomal dominant inheritance. Observed: 2 variant alleles, 2 heterozygotes.
Comment: This missense variant replaces glutamic acid with glycine at codon 1265 of the DSP protein. Computational prediction suggests that this variant may not impact protein structure and function (internally defined REVEL score threshold <= 0.5, PMID: 27666373). To our knowledge, functional studies have not been reported for this variant. This variant has not been reported in individuals affected with DSP-related disorders in the literature. This variant has not been identified in the general population by the Genome Aggregation Database (gnomAD). The available evidence is insufficient to determine the role of this variant in disease conclusively. Therefore, this variant is classified as a Variant of Uncertain Significance.

This study involves interpretation of variants in research participants for the purpose of population health screening. Participant phenotype was not available at the time of variant classification. Additional details can be found in publication PMID: 35346344, PMCID: PMC8962531

NM_004415.4(DSP):c.3794A>G (p.Glu1265Gly)

Gene: DSP (desmoplakin; plus strand). Cytogenetic location: 6p24.3.
Variant type: single nucleotide variant.
Coding change: c.3794A>G on transcript NM_004415.4 (MANE Select); coding-DNA position 3794, A replaced by G.
Protein change: p.Glu1265Gly; replaces glutamic acid 1265 with glycine.
Molecular consequence: missense variant. On other transcripts: intron variant (1).
Genome position (GRCh38, 1-based): chr6:7,579,984, A>G. VCF-style: chr6-7579984-A-G. GRCh37 (hg19) VCF-style: chr6-7580217-A-G.
Other names: c.3794A>G, p.Glu1265Gly (NM_001319034.2); c.3582+212A>G (NM_001008844.3); short protein forms E1265G.
Identifiers: ClinVar variation 2935800 (VCV002935800.6), dbSNP rs2533925890, ClinGen allele CA362684871.